The following is an entry in ClinVar:

NM_000179.3(MSH6):c.2675C>A (p.Ser892Tyr)

Gene: MSH6 (mutS homolog 6; plus strand). Cytogenetic location: 2p16.3.
Variant type: single nucleotide variant.
Coding change: c.2675C>A on transcript NM_000179.3 (MANE Select); coding-DNA position 2675, C replaced by A.
Protein change: p.Ser892Tyr; replaces serine 892 with tyrosine.
Molecular consequence: missense variant.
Genome position (GRCh38, 1-based): chr2:47,800,658, C>A. VCF-style: chr2-47800658-C-A. GRCh37 (hg19) VCF-style: chr2-48027797-C-A.
Other names: c.2285C>A, p.Ser762Tyr (NM_001281492.2); c.1769C>A, p.Ser590Tyr (NM_001281493.2, NM_001281494.2, NM_001406811.1 and 6 more transcripts); c.2771C>A, p.Ser924Tyr (NM_001406795.1, NM_001406802.1); c.2675C>A, p.Ser892Tyr (NM_001406796.1, NM_001406798.1, NM_001406800.1 and 2 more transcripts); c.2378C>A, p.Ser793Tyr (NM_001406797.1, NM_001406801.1, NM_001406805.1 and 10 more transcripts); c.2150C>A, p.Ser717Tyr (NM_001406799.1, NM_001406806.1, NM_001406807.1); c.2597C>A, p.Ser866Tyr (NM_001406804.1); c.2507C>A, p.Ser836Tyr (NM_001406826.1); and 1 more; short protein forms S762Y, S836Y, S892Y, S894Y, S590Y, S717Y, S793Y, S866Y.
Identifiers: ClinVar variation 1900392 (VCV001900392.6), dbSNP rs1669495972, ClinGen allele CA346755265.

ClinVar aggregate classification (germline): Uncertain significance. Review status: criteria provided, multiple submitters, no conflicts (2 of 4 stars). 2 submissions from 2 submitters: Uncertain significance (2). Last evaluated 2025-09-20.

Conditions:
Hereditary nonpolyposis colorectal neoplasms. Identifiers: MedGen C0009405, MeSH D003123.
Lynch syndrome. Identifiers: Orphanet 144, MedGen C4552100, MONDO:0005835. Disease mechanism: loss of function.

Allele frequency attached by ClinVar (database versions not stated): gnomAD exomes below 0.00001.
gnomAD v4.1: 2 of 1,614,186 alleles (0.00012%); highest among the groups gnomAD compares: Admixed American, 0.0033%; no homozygotes.

Submissions (2):

Labcorp Genetics (formerly Invitae), Labcorp
Classification: Uncertain significance for Hereditary nonpolyposis colorectal neoplasms. Last evaluated: 2025-09-20. Review status: criteria provided, single submitter. Criteria: Invitae Variant Classification Sherloc (09022015). Collection method: clinical testing. Allele origin: germline.
Comment: This sequence change replaces serine, which is neutral and polar, with tyrosine, which is neutral and polar, at codon 892 of the MSH6 protein (p.Ser892Tyr). This variant is not present in population databases (gnomAD no frequency). This variant has not been reported in the literature in individuals affected with MSH6-related conditions. ClinVar contains an entry for this variant (Variation ID: 1900392). Invitae Evidence Modeling of protein sequence and biophysical properties (such as structural, functional, and spatial information, amino acid conservation, physicochemical variation, residue mobility, and thermodynamic stability) indicates that this missense variant is not expected to disrupt MSH6 protein function with a negative predictive value of 95%. In summary, the available evidence is currently insufficient to determine the role of this variant in disease. Therefore, it has been classified as a Variant of Uncertain Significance.

Hema, HEMA – Genetic and Molecular Diagnostic Laboratory
Classification: Uncertain significance for Lynch syndrome. Last evaluated: 2024-03-11. Review status: criteria provided, single submitter. Criteria: HEMA Variant Classification Assertion Criteria. Collection method: clinical testing. Allele origin: germline.
Comment: The c.2675C>A (p.Ser892Tyr) variant is a transversion from cytosine to adenine, resulting in the substitution of serine 892 with tyrosine in the MSH6 protein. PM2_Supporting: Absent in gnomAD non-cancer. BP4: Prior probability of pathogenicity score MAPP/PP2 = 0.01 < 0.11.